The following is an entry in ClinVar:

ClinVar aggregate classification (germline): Uncertain significance (1 of 4 stars; one submission).

gnomAD v4.1: 2 of 1,197,353 alleles (0.00017%); highest among the groups gnomAD compares: Non-Finnish European, 0.00023%; no homozygotes.

Submission:

Labcorp Genetics (formerly Invitae), Labcorp
Classification: Uncertain significance. Last evaluated: 2025-11-25. Review status: criteria provided, single submitter. Criteria: Invitae Variant Classification Sherloc (09022015). Collection method: clinical testing. Allele origin: germline.
Comment: This sequence change replaces phenylalanine, which is neutral and non-polar, with leucine, which is neutral and non-polar, at codon 1279 of the POLA1 protein (p.Phe1279Leu). This variant is not present in population databases (gnomAD no frequency). This variant has not been reported in the literature in individuals affected with POLA1-related conditions. Invitae Evidence Modeling of protein sequence and biophysical properties (such as structural, functional, and spatial information, amino acid conservation, physicochemical variation, residue mobility, and thermodynamic stability) indicates that this missense variant is not expected to disrupt POLA1 protein function with a negative predictive value of 80%. In summary, the available evidence is currently insufficient to determine the role of this variant in disease. Therefore, it has been classified as a Variant of Uncertain Significance.

NM_001330360.2(POLA1):c.3855C>G (p.Phe1285Leu)

Gene: POLA1 (DNA polymerase alpha 1, catalytic subunit; plus strand). Cytogenetic location: Xp22.11.
Variant type: single nucleotide variant.
Coding change: c.3855C>G on transcript NM_001330360.2 (MANE Select); coding-DNA position 3855, C replaced by G.
Protein change: p.Phe1285Leu; replaces phenylalanine 1285 with leucine.
Molecular consequence: missense variant. On other transcripts: non-coding transcript variant (2).
Genome position (GRCh38, 1-based): chrX:24,841,770, C>G. VCF-style: chrX-24841770-C-G. GRCh37 (hg19) VCF-style: chrX-24859887-C-G.
Other names: c.3780C>G, p.Phe1260Leu (NM_001378303.1); c.3855C>G, p.Phe1285Leu (NM_001440806.1); c.3837C>G, p.Phe1279Leu (NM_016937.4); short protein forms F1279L, F1260L, F1285L.
Identifiers: ClinVar variation 4697673 (VCV004697673.1).
Genomic context (GRCh38, chrX:24,841,770, plus strand): 5'-TCTACTTGGTGGCCCAGCACAGCTCACTGATGAAGAGAAATACAGGGACTGTGAAAGATT[C>G]AAATGTCCATGCCCTACATGTGGAACTGAGAATATTTATGATAATGTCTTTGATGGTTCG-3'
Protein context (NP_001317289.1, residues 1275-1295): DEEKYRDCER[Phe1285Leu]KCPCPTCGTE